The following is an entry in ClinVar:

NM_001754.5(RUNX1):c.1345C>T (p.Gln449Ter)

Gene: RUNX1 (RUNX family transcription factor 1; minus strand). Cytogenetic location: 21q22.12.
Variant type: single nucleotide variant.
Coding change: c.1345C>T on transcript NM_001754.5 (MANE Select); coding-DNA position 1345, C replaced by T.
Protein change: p.Gln449Ter; replaces glutamine 449 with a stop codon.
Molecular consequence: nonsense.
Genome position (GRCh38, 1-based): chr21:34,792,233, G>A on the plus strand (C>T on the coding strand, the complement: RUNX1 is on the minus strand). VCF-style: chr21-34792233-G-A. GRCh37 (hg19) VCF-style: chr21-36164530-G-A.
Other names: NM_001754.5(RUNX1):c.1345C>T; p.Gln449Ter; c.1264C>T, p.Gln422Ter (NM_001001890.3); short protein forms Q422*, Q449*.
Identifiers: ClinVar variation 2579542 (VCV002579542.27), dbSNP rs2516814422, ClinGen allele CA410147225.

ClinVar aggregate classification (germline): Likely pathogenic. Review status: reviewed by expert panel (3 of 4 stars). 3 submissions from 3 submitters: Likely pathogenic (1). 2 of the submissions do not count toward it. Last evaluated 2026-10-05.

Conditions:
Hereditary thrombocytopenia and hematologic cancer predisposition syndrome. Identifiers: Orphanet 71290, MedGen CN281654, MONDO:0011071.

gnomAD v4.1: 2 of 1,540,766 alleles (0.00013%); highest among the groups gnomAD compares: Non-Finnish European, 0.00017%; no homozygotes.

Submissions (3):

ClinGen Myeloid Malignancy Variant Curation Expert Panel
Classification: Likely pathogenic for Hereditary thrombocytopenia and hematologic cancer predisposition syndrome. Last evaluated: 2026-10-05. Review status: reviewed by expert panel. Criteria: ClinGen MyeloMalig ACMG Specifications V3.1. Collection method: curation. Allele origin: germline. Inheritance: Autosomal dominant inheritance.
Comment: NM_001754.5(RUNX1):c.1345C>T (p.Gln449Ter) is a nonsense variant which is not predicted to undergo NMD (PVS1_Strong). This variant is downstream of c.98 (PM5_Supporting) and is completely absent from all population databases with at least 20x coverage for RUNX1 (PM2_Supporting). In summary, this variant meets criteria to be classified as likely pathogenic. ACMG/AMP criteria applied, as specified by the ClinGen Myeloid Malignancy Variant Curation Expert Panel for RUNX1: PVS1_Strong, PM5_Supporting, PM2_Supporting.

CeGaT Center for Human Genetics Tuebingen
Classification: Uncertain significance. Last evaluated: 2023-06-01. Review status: criteria provided, single submitter. Criteria: CeGaT Center For Human Genetics Tuebingen Variant Classification Criteria Version 2. Collection method: clinical testing. Allele origin: germline. Affected: yes. Observed: 1 variant allele. Not counted in ClinVar's aggregate classification.
Comment: RUNX1: PM2, PVS1:Moderate

GeneDx
Classification: Uncertain significance. Last evaluated: 2023-03-07. Review status: criteria provided, single submitter. Criteria: GeneDx Variant Classification Process June 2021. Collection method: clinical testing. Allele origin: germline. Affected: yes. Not counted in ClinVar's aggregate classification.
Comment: Not observed at significant frequency in large population cohorts (gnomAD); Nonsense variant predicted to result in protein truncation as the last 32 amino acids are lost, although loss-of-function variants have not been reported downstream of this position in the protein; Has not been previously published as pathogenic or benign to our knowledge